The following is an entry in ClinVar:

NM_001031689.3(PLAA):c.1688C>T (p.Pro563Leu)

Gene: PLAA (phospholipase A2 activating protein; minus strand). Cytogenetic location: 9p21.2.
Variant type: single nucleotide variant.
Coding change: c.1688C>T on transcript NM_001031689.3 (MANE Select); coding-DNA position 1688, C replaced by T.
Protein change: p.Pro563Leu; replaces proline 563 with leucine.
Molecular consequence: missense variant.
Genome position (GRCh38, 1-based): chr9:26,907,968, G>A on the plus strand (C>T on the coding strand, the complement: PLAA is on the minus strand). VCF-style: chr9-26907968-G-A. GRCh37 (hg19) VCF-style: chr9-26907966-G-A.
Other names: c.1619C>T, p.Pro540Leu (NM_001321546.2); short protein forms P540L, P563L.
Identifiers: ClinVar variation 1360739 (VCV001360739.5), dbSNP rs777208863, ClinGen allele CA373129249.

ClinVar aggregate classification (germline): Uncertain significance (1 of 4 stars; one submission).

Allele frequency attached by ClinVar (database versions not stated): gnomAD 0.00001; TOPMed 0.00001.
gnomAD v4.1: 4 of 1,597,966 alleles (0.00025%); highest among the groups gnomAD compares: African/African-American, 0.0014%; no homozygotes.

Submission:

Labcorp Genetics (formerly Invitae), Labcorp
Classification: Uncertain significance. Last evaluated: 2022-04-28. Review status: criteria provided, single submitter. Criteria: Invitae Variant Classification Sherloc (09022015). Collection method: clinical testing. Allele origin: germline.
Comment: This sequence change replaces proline, which is neutral and non-polar, with leucine, which is neutral and non-polar, at codon 563 of the PLAA protein (p.Pro563Leu). This variant is not present in population databases (gnomAD no frequency). This variant has not been reported in the literature in individuals affected with PLAA-related conditions. Algorithms developed to predict the effect of missense changes on protein structure and function (SIFT, PolyPhen-2, Align-GVGD) all suggest that this variant is likely to be tolerated. In summary, the available evidence is currently insufficient to determine the role of this variant in disease. Therefore, it has been classified as a Variant of Uncertain Significance.